The following is an entry in ClinVar:

NM_020778.5(ALPK3):c.671A>G (p.Lys224Arg)

Gene: ALPK3 (alpha kinase 3; plus strand). Cytogenetic location: 15q25.3.
Variant type: single nucleotide variant.
Coding change: c.671A>G on transcript NM_020778.5 (MANE Select); coding-DNA position 671, A replaced by G.
Protein change: p.Lys224Arg; replaces lysine 224 with arginine.
Molecular consequence: missense variant.
Genome position (GRCh38, 1-based): chr15:84,839,950, A>G. VCF-style: chr15-84839950-A-G. GRCh37 (hg19) VCF-style: chr15-85383181-A-G.
Other names: short protein forms K224R.
Identifiers: ClinVar variation 3677043 (VCV003677043.2).
Genomic context (GRCh38, chr15:84,839,950, plus strand): 5'-AGGCGGTGCCTGGGGAGGTCGACACTCTGCGCAAGCTCAGCCCCGACCGCTTCCAGCGAA[A>G]GCGGCGATTGAGCGGGGCTCAAGCGCCGGGCCCCTCGGTCCCTACCAGGGAGCCTGAGGG-3'
Protein context (NP_065829.4, residues 214-234): RKLSPDRFQR[Lys224Arg]RRLSGAQAPG

ClinVar aggregate classification (germline): Uncertain significance (1 of 4 stars; one submission).

gnomAD v4.1: 1 of 1,613,570 alleles (0.000062%); no homozygotes.

Submission:

Labcorp Genetics (formerly Invitae), Labcorp
Classification: Uncertain significance. Last evaluated: 2024-10-21. Review status: criteria provided, single submitter. Criteria: Invitae Variant Classification Sherloc (09022015). Collection method: clinical testing. Allele origin: germline.
Comment: This sequence change replaces lysine, which is basic and polar, with arginine, which is basic and polar, at codon 426 of the ALPK3 protein (p.Lys426Arg). This variant is not present in population databases (gnomAD no frequency). This variant has not been reported in the literature in individuals affected with ALPK3-related conditions. Invitae Evidence Modeling of protein sequence and biophysical properties (such as structural, functional, and spatial information, amino acid conservation, physicochemical variation, residue mobility, and thermodynamic stability) indicates that this missense variant is expected to disrupt ALPK3 protein function with a positive predictive value of 80%. In summary, the available evidence is currently insufficient to determine the role of this variant in disease. Therefore, it has been classified as a Variant of Uncertain Significance.